The following is an entry in ClinVar:

NM_144670.6(A2ML1):c.1894C>T (p.Gln632Ter)

Gene: A2ML1 (alpha-2-macroglobulin like 1; plus strand). Cytogenetic location: 12p13.31.
Variant type: single nucleotide variant.
Coding change: c.1894C>T on transcript NM_144670.6 (MANE Select); coding-DNA position 1894, C replaced by T.
Protein change: p.Gln632Ter; replaces glutamine 632 with a stop codon.
Molecular consequence: nonsense.
Genome position (GRCh38, 1-based): chr12:8,848,780, C>T. VCF-style: chr12-8848780-C-T. GRCh37 (hg19) VCF-style: chr12-9001376-C-T.
Other names: c.421C>T, p.Gln141Ter (NM_001282424.3); short protein forms Q632*, Q141*.
Identifiers: ClinVar variation 2702057 (VCV002702057.3), dbSNP rs1943788800, ClinGen allele CA383830375.
Genomic context (GRCh38, chr12:8,848,780, plus strand): 5'-GTCTATGGGATGTTTCCATTCTGGTATGGTCACTACCCCTATCAAGTGGCTGAGTATGAT[C>T]AGTGTCCAGTGTCTGGCCCATGGGACTTTCCTCAGCCCCTCATTGACCCAATGCCCCAAG-3'

ClinVar aggregate classification (germline): Uncertain significance (1 of 4 stars; one submission).

Allele frequency attached by ClinVar (database versions not stated): gnomAD exomes below 0.00001.
gnomAD v4.1: 5 of 1,614,032 alleles (0.00031%); highest among the groups gnomAD compares: East Asian, 0.0022%; no homozygotes.

Submission:

Labcorp Genetics (formerly Invitae), Labcorp
Classification: Uncertain significance. Last evaluated: 2025-08-13. Review status: criteria provided, single submitter. Criteria: Invitae Variant Classification Sherloc (09022015). Collection method: clinical testing. Allele origin: germline.
Comment: This sequence change creates a premature translational stop signal (p.Gln632*) in the A2ML1 gene. It is expected to result in an absent or disrupted protein product. However, the current clinical and genetic evidence is not sufficient to establish whether loss-of-function variants in A2ML1 cause disease. This variant is not present in population databases (gnomAD no frequency). This variant has not been reported in the literature in individuals affected with A2ML1-related conditions. ClinVar contains an entry for this variant (Variation ID: 2702057). In summary, the available evidence is currently insufficient to determine the role of this variant in disease. Therefore, it has been classified as a Variant of Uncertain Significance.